The following is an entry in ClinVar:

NM_175929.3(FGF14):c.69C>T (p.Leu23=)

Gene: FGF14 (fibroblast growth factor 14; minus strand). Cytogenetic location: 13q33.1.
Variant type: single nucleotide variant.
Coding change: c.69C>T on transcript NM_175929.3 (MANE Plus Clinical); coding-DNA position 69, C replaced by T.
Protein change: p.Leu23=; no amino-acid change (leucine 23 retained).
Molecular consequence: synonymous variant. On other transcripts: 5 prime UTR variant (6), intron variant (6).
Genome position (GRCh38, 1-based): chr13:102,401,610, G>A on the plus strand (C>T on the coding strand, the complement: FGF14 is on the minus strand). VCF-style: chr13-102401610-G-A. GRCh37 (hg19) VCF-style: chr13-103053960-G-A.
Other names: c.69C>T, p.Leu23= (NM_001321937.2, NM_001321939.2); c.-364C>T (NM_001321940.1); c.-200C>T (NM_001321941.2); c.-273C>T (NM_001321942.1); c.-310C>T (NM_001321943.1); c.-463C>T (NM_001321944.1); c.-368C>T (NM_001321949.1); c.-13-75C>T (NM_001321947.2); and 3 more.
Identifiers: ClinVar variation 585857 (VCV000585857.11), dbSNP rs775136913, ClinGen allele CA7037343.

ClinVar aggregate classification (germline): Likely benign. Review status: criteria provided, multiple submitters, no conflicts (2 of 4 stars). 3 submissions from 3 submitters: Likely benign (3). Last evaluated 2025-11-01.

Allele frequency attached by ClinVar (database versions not stated): gnomAD 0.00001; gnomAD exomes 0.00004 and 0.00002; ExAC 0.00002; TOPMed 0.00002.
gnomAD v4.1: 56 of 1,614,020 alleles (0.0035%); highest among the groups gnomAD compares: Non-Finnish European, 0.0046%; no homozygotes.

Submissions (3):

CeGaT Center for Human Genetics Tuebingen
Classification: Likely benign. Last evaluated: 2025-11-01. Review status: criteria provided, single submitter. Criteria: CeGaT Center For Human Genetics Tuebingen Variant Classification Criteria Version 2. Collection method: clinical testing. Allele origin: germline. Affected: yes. Observed: 1 variant allele.
Comment: FGF14: BP4, BP7

Blueprint Genetics
Classification: Likely benign. Last evaluated: 2021-09-13. Review status: criteria provided, single submitter. Criteria: ACMG Guidelines, 2015. Collection method: clinical testing. Allele origin: germline.

Athena Diagnostics
Classification: Likely benign. Last evaluated: 2017-10-25. Review status: criteria provided, single submitter. Criteria: Athena Diagnostics Criteria. Collection method: clinical testing. Allele origin: germline.